The following is an entry in ClinVar:

ClinVar aggregate classification (germline): Conflicting classifications of pathogenicity. Review status: criteria provided, conflicting classifications (1 of 4 stars). 5 submissions from 5 submitters: Pathogenic (2); Likely pathogenic (2); Uncertain significance (1). Last evaluated 2025-02-16.

Conditions:
Sulfocysteinuria. Identifiers: MedGen C2931746, HP:0032350.
Inborn genetic diseases. Identifiers: MedGen C0950123, MeSH D030342.
Sulfite oxidase deficiency. Also called: Isolated sulfite oxidase deficiency. Identifiers: Orphanet 833, Orphanet 99731, MedGen C0268624, MONDO:0010089, OMIM 272300, HP:0003643.

Allele frequency attached by ClinVar (database versions not stated): gnomAD exomes 0.00001; gnomAD 0.00002.
gnomAD v4.1: 18 of 1,613,990 alleles (0.0011%); highest among the groups gnomAD compares: African/African-American, 0.0027%; no homozygotes.

Submissions (5):

Laboratory of Genetics, Children's Clinical University Hospital Latvia
Classification: Pathogenic. Last evaluated: 2025-02-16. Review status: criteria provided, single submitter. Criteria: ACMG Guidelines, 2015. Collection method: clinical testing. Allele origin: germline. Affected: yes.

Fulgent Genetics
Classification: Likely pathogenic for Sulfite oxidase deficiency. Last evaluated: 2024-06-22. Review status: criteria provided, single submitter. Criteria: ACMG Guidelines, 2015. Collection method: clinical testing. Allele origin: germline.

Women's Health and Genetics/Laboratory Corporation of America, LabCorp
Classification: Likely pathogenic for Sulfocysteinuria. Last evaluated: 2024-01-12. Review status: criteria provided, single submitter. Criteria: LabCorp Variant Classification Summary - May 2015. Collection method: clinical testing. Allele origin: germline.
Comment: Variant summary: SUOX c.1096C>T (p.Arg366Cys) results in a non-conservative amino acid change located in the Oxidoreductase, molybdopterin-binding domain (IPR000572) of the encoded protein sequence. Five of five in-silico tools predict a damaging effect of the variant on protein function. The variant allele was found at a frequency of 1.2e-05 in 251426 control chromosomes. c.1096C>T has been reported in the literature in 3 siblings, affected with Sulfite Oxidase Deficiency (Tian_2019). Additionally, another missense variatn in the same residue (p.Arg366Trp) has been classified as pathogenic/likely pathogenic in ClinVar. These data indicate that the variant is likely to be associated with disease. To our knowledge, no experimental evidence demonstrating an impact on protein function has been reported. The following publication have been ascertained in the context of this evaluation (PMID: 31870341). ClinVar contains an entry for this variant (Variation ID: 1455728). Based on the evidence outlined above, the variant was classified as likely pathogenic.

Labcorp Genetics (formerly Invitae), Labcorp
Classification: Pathogenic for Sulfite oxidase deficiency. Last evaluated: 2023-10-19. Review status: criteria provided, single submitter. Criteria: Invitae Variant Classification Sherloc (09022015). Collection method: clinical testing. Allele origin: germline.
Comment: This sequence change replaces arginine, which is basic and polar, with cysteine, which is neutral and slightly polar, at codon 366 of the SUOX protein (p.Arg366Cys). This variant is present in population databases (rs760901724, gnomAD 0.003%). This missense change has been observed in individual(s) with sulfite oxidase deficiency (PMID: 31870341). In at least one individual the data is consistent with being in trans (on the opposite chromosome) from a pathogenic variant. It has also been observed to segregate with disease in related individuals. ClinVar contains an entry for this variant (Variation ID: 1455728). Advanced modeling of protein sequence and biophysical properties (such as structural, functional, and spatial information, amino acid conservation, physicochemical variation, residue mobility, and thermodynamic stability) performed at Invitae indicates that this missense variant is expected to disrupt SUOX protein function. This variant disrupts the p.Arg366 amino acid residue in SUOX. Other variant(s) that disrupt this residue have been observed in individuals with SUOX-related conditions (PMID: 12112661), which suggests that this may be a clinically significant amino acid residue. For these reasons, this variant has been classified as Pathogenic.

Ambry Genetics
Classification: Uncertain significance for Inborn genetic diseases. Last evaluated: 2022-09-26. Review status: criteria provided, single submitter. Criteria: Ambry Variant Classification Scheme 2023. Collection method: clinical testing. Allele origin: germline.

Literature cited by the submitters: PubMed 31870341 (cited by 3 submitters); PubMed 12112661 (cited by Labcorp Genetics (formerly Invitae), Labcorp).

NM_001032386.2(SUOX):c.1096C>T (p.Arg366Cys)

Gene: SUOX (sulfite oxidase; plus strand). Cytogenetic location: 12q13.2.
Variant type: single nucleotide variant.
Coding change: c.1096C>T on transcript NM_001032386.2 (MANE Select); coding-DNA position 1096, C replaced by T.
Protein change: p.Arg366Cys; replaces arginine 366 with cysteine.
Molecular consequence: missense variant.
Genome position (GRCh38, 1-based): chr12:56,004,485, C>T. VCF-style: chr12-56004485-C-T. GRCh37 (hg19) VCF-style: chr12-56398269-C-T.
Other names: c.1096C>T, p.Arg366Cys (NM_000456.3, NM_001032387.2); c.1096C>T (NM_000456.2); short protein forms R366C.
Identifiers: ClinVar variation 1455728 (VCV001455728.13), dbSNP rs760901724, ClinGen allele CA6621096.